The following is an entry in ClinVar:

NM_000397.4(CYBB):c.75del (p.Phe26fs)

Gene: CYBB (cytochrome b-245 beta chain; plus strand). Cytogenetic location: Xp21.1.
Variant type: Deletion.
Coding change: c.75del on transcript NM_000397.4 (MANE Select); coding-DNA position 75, one base deleted (C; older notation c.75delC).
Protein change: p.Phe26fs; shifts the reading frame from phenylalanine 26.
Molecular consequence: frameshift variant.
Genome position (GRCh38, 1-based): chrX:37,782,117, C deleted. VCF-style (leftmost placement, unchanged base first): chrX-37782116-TC-T. GRCh37 (hg19) VCF-style: chrX-37641369-TC-T.
Other names: short protein forms F26fs.
Identifiers: ClinVar variation 2092578 (VCV002092578.4), dbSNP rs2519190847, ClinGen allele CA2580100785.
Genomic context (GRCh38, chrX:37,782,116, plus strand): 5'-GAAACTTCATGCAATTATTTCTGTTTGTGCAGCTGGTTTGGCTGGGGTTGAACGTCTTCC[TC>T]TTTGTCTGGTATTACCGGGTTTATGATATTCCACCTAAGTTCTTTTACACAAGAAAACTT-3'

ClinVar aggregate classification (germline): Pathogenic (1 of 4 stars; one submission).

Conditions:
Granulomatous disease, chronic, X-linked. Also called: CYTOCHROME b-NEGATIVE GRANULOMATOUS DISEASE, CHRONIC, X-LINKED; GRANULOMATOUS DISEASE, CHRONIC, X-LINKED, SOMATIC MOSAIC. Identifiers: Orphanet 379, MedGen C1844376, MONDO:0010600, OMIM 306400.

Submission:

Labcorp Genetics (formerly Invitae), Labcorp
Classification: Pathogenic for Granulomatous disease, chronic, X-linked. Last evaluated: 2022-02-03. Review status: criteria provided, single submitter. Criteria: Invitae Variant Classification Sherloc (09022015). Collection method: clinical testing. Allele origin: germline.
Comment: For these reasons, this variant has been classified as Pathogenic. This variant has not been reported in the literature in individuals affected with CYBB-related conditions. This variant is not present in population databases (gnomAD no frequency). This sequence change creates a premature translational stop signal (p.Phe26Leufs*35) in the CYBB gene. It is expected to result in an absent or disrupted protein product. Loss-of-function variants in CYBB are known to be pathogenic (PMID: 9585602, 20729109).

Literature cited by the submitters: PubMed 9585602; PubMed 20729109.